The following is an entry in ClinVar:

ClinVar aggregate classification (germline): Benign. Review status: criteria provided, multiple submitters, no conflicts (2 of 4 stars). 7 submissions from 7 submitters: Benign (6). 1 of the submissions does not count toward it. Last evaluated 2026-02-04.

Conditions:
Familial infantile myasthenia (CMS6). Also called: MYASTHENIC SYNDROME, CONGENITAL, 6, PRESYNAPTIC; Congenital myasthenic syndrome type 6; MYASTHENIC SYNDROME, PRESYNAPTIC, CONGENITAL, ASSOCIATED WITH EPISODIC APNEA. Identifiers: Orphanet 590, MedGen C0393929, MONDO:0009689, OMIM 254210.

Allele frequency attached by ClinVar (database versions not stated): ESP Exome Variant Server 0.00161; gnomAD 0.01009 and 0.01546; gnomAD exomes 0.01421 and 0.03252; TOPMed 0.01501; ExAC 0.03215; 1000 Genomes Project 30x 0.06371; 1000 Genomes Project 0.07049.
gnomAD v4.1: 23,549 of 1,614,196 alleles (1.5%); highest among the groups gnomAD compares: East Asian, 32%; 2,610 homozygotes.

Submissions (7):

Labcorp Genetics (formerly Invitae), Labcorp
Classification: Benign for Familial infantile myasthenia. Last evaluated: 2026-02-04. Review status: criteria provided, single submitter. Criteria: Invitae Variant Classification Sherloc (09022015). Collection method: clinical testing. Allele origin: germline.

Mayo Clinic Laboratories, Mayo Clinic
Classification: Benign. Last evaluated: 2018-08-07. Review status: criteria provided, single submitter. Criteria: ACMG Guidelines, 2015. Collection method: clinical testing. Allele origin: germline. Observed: 30 variant alleles.

GeneDx
Classification: Benign. Last evaluated: 2017-03-31. Review status: criteria provided, single submitter. Criteria: GeneDx Variant Classification (06012015). Collection method: clinical testing. Allele origin: germline. Affected: yes.
Comment: This variant is considered likely benign or benign based on one or more of the following criteria: it is a conservative change, it occurs at a poorly conserved position in the protein, it is predicted to be benign by multiple in silico algorithms, and/or has population frequency not consistent with disease.

Eurofins Ntd Llc (ga)
Classification: Benign. Last evaluated: 2015-03-09. Review status: criteria provided, single submitter. Criteria: EGL Classification Definitions 2015. Collection method: clinical testing. Allele origin: germline. Observed: 1 variant allele, 1 heterozygote.

Breakthrough Genomics
Classification: Benign. Review status: criteria provided, single submitter. Criteria: ACMG Guidelines, 2015. Collection method: not provided. Allele origin: germline. Inheritance: Autosomal recessive inheritance. Affected: yes.

PreventionGenetics, part of Exact Sciences
Classification: Benign. Review status: criteria provided, single submitter. Criteria: ACMG Guidelines, 2015. Collection method: clinical testing. Allele origin: germline.

Genetic Services Laboratory, University of Chicago
Classification: Likely benign for AllHighlyPenetrant. Review status: no assertion criteria provided. Collection method: clinical testing. Allele origin: germline. Inheritance: Autosomal recessive inheritance. Not counted in ClinVar's aggregate classification.
Comment: Likely benign based on allele frequency in 1000 Genomes Project or ESP global frequency and its presence in a patient with a rare or unrelated disease phenotype. NOT Sanger confirmed.

NM_020549.5(CHAT):c.2067C>T (p.Ile689=)

Gene: CHAT (choline O-acetyltransferase; plus strand). Cytogenetic location: 10q11.23.
Variant type: single nucleotide variant.
Coding change: c.2067C>T on transcript NM_020549.5 (MANE Select); coding-DNA position 2067, C replaced by T.
Protein change: p.Ile689=; no amino-acid change (isoleucine 689 retained).
Molecular consequence: synonymous variant.
Genome position (GRCh38, 1-based): chr10:49,664,866, C>T. VCF-style: chr10-49664866-C-T. GRCh37 (hg19) VCF-style: chr10-50872912-C-T.
Other names: p.Ile689=; c.1713C>T, p.Ile571= (NM_001142929.2, NM_001142934.2, NM_020984.4 and 2 more transcripts); c.1821C>T, p.Ile607= (NM_001142933.2).
Identifiers: ClinVar variation 128722 (VCV000128722.22), dbSNP rs3793801, ClinGen allele CA152349.